The following is an entry in ClinVar:

NM_005518.4(HMGCS2):c.1082A>G (p.Gln361Arg)

Gene: HMGCS2 (3-hydroxy-3-methylglutaryl-CoA synthase 2; minus strand). Cytogenetic location: 1p12.
Variant type: single nucleotide variant.
Coding change: c.1082A>G on transcript NM_005518.4 (MANE Select); coding-DNA position 1082, A replaced by G.
Protein change: p.Gln361Arg; replaces glutamine 361 with arginine.
Molecular consequence: missense variant.
Genome position (GRCh38, 1-based): chr1:119,755,532, T>C on the plus strand (A>G on the coding strand, the complement: HMGCS2 is on the minus strand). VCF-style: chr1-119755532-T-C. GRCh37 (hg19) VCF-style: chr1-120298155-T-C.
Other names: c.956A>G, p.Gln319Arg (NM_001166107.1); short protein forms Q319R, Q361R.
Identifiers: ClinVar variation 956217 (VCV000956217.7), dbSNP rs1286357569, ClinGen allele CA341859151.

ClinVar aggregate classification (germline): Uncertain significance (1 of 4 stars; one submission).

Conditions:
3-hydroxy-3-methylglutaryl-CoA synthase deficiency (HMGCS2D). Also called: HMGCS2 DEFICIENCY; MITOCHONDRIAL HMG-CoA SYNTHASE DEFICIENCY; HMG-CoA synthase-2 deficiency. Identifiers: Orphanet 35701, MedGen C2751532, MONDO:0011614, OMIM 605911.

Allele frequency attached by ClinVar (database versions not stated): gnomAD exomes 0.00001; TOPMed 0.00002.
gnomAD v4.1: 10 of 1,613,856 alleles (0.00062%); highest among the groups gnomAD compares: East Asian, 0.0045%; 1 homozygote.

Submission:

Labcorp Genetics (formerly Invitae), Labcorp
Classification: Uncertain significance for 3-hydroxy-3-methylglutaryl-CoA synthase deficiency. Last evaluated: 2021-09-01. Review status: criteria provided, single submitter. Criteria: Invitae Variant Classification Sherloc (09022015). Collection method: clinical testing. Allele origin: germline.
Comment: This sequence change replaces glutamine with arginine at codon 361 of the HMGCS2 protein (p.Gln361Arg). The glutamine residue is weakly conserved and there is a small physicochemical difference between glutamine and arginine. This variant is not present in population databases (ExAC no frequency). This variant has not been reported in the literature in individuals affected with HMGCS2-related conditions. Algorithms developed to predict the effect of missense changes on protein structure and function (SIFT, PolyPhen-2, Align-GVGD) all suggest that this variant is likely to be tolerated. In summary, the available evidence is currently insufficient to determine the role of this variant in disease. Therefore, it has been classified as a Variant of Uncertain Significance.